The following is an entry in ClinVar:

ClinVar aggregate classification (germline): Uncertain significance. Review status: criteria provided, single submitter (1 of 4 stars). 2 submissions from 2 submitters: Uncertain significance (1). 1 of the submissions does not count toward it. Last evaluated 2023-03-02.

Conditions:
Cardiovascular phenotype. Identifiers: MedGen CN230736.

Submissions (2):

Ambry Genetics
Classification: Uncertain significance for Cardiovascular phenotype. Last evaluated: 2023-03-02. Review status: criteria provided, single submitter. Criteria: Ambry Variant Classification Scheme 2023. Collection method: clinical testing. Allele origin: germline.
Comment: The p.I533N variant (also known as c.1598T>A), located in coding exon 14 of the MYH7 gene, results from a T to A substitution at nucleotide position 1598. The isoleucine at codon 533 is replaced by asparagine, an amino acid with dissimilar properties. This amino acid position is highly conserved in available vertebrate species. In addition, this alteration is predicted to be deleterious by in silico analysis. Since supporting evidence is limited at this time, the clinical significance of this alteration remains unclear.

Laboratory for Molecular Medicine, Mass General Brigham Personalized Medicine
Classification: Uncertain significance. Last evaluated: 2014-01-02. Review status: no assertion criteria provided. Collection method: clinical testing. Allele origin: germline. Observed: 2 variant alleles. Not counted in ClinVar's aggregate classification.
Comment: proposed classification - variant undergoing re-assessment, contact laboratory

NM_000257.4(MYH7):c.1598T>A (p.Ile533Asn)

Gene: MYH7 (myosin heavy chain 7; minus strand). Cytogenetic location: 14q11.2.
Variant type: single nucleotide variant.
Coding change: c.1598T>A on transcript NM_000257.4 (MANE Select); coding-DNA position 1598, T replaced by A.
Protein change: p.Ile533Asn; replaces isoleucine 533 with asparagine.
Molecular consequence: missense variant.
Genome position (GRCh38, 1-based): chr14:23,427,875, A>T on the plus strand (T>A on the coding strand, the complement: MYH7 is on the minus strand). VCF-style: chr14-23427875-A-T. GRCh37 (hg19) VCF-style: chr14-23897084-A-T.
Other names: short protein forms I533N.
Identifiers: ClinVar variation 42852 (VCV000042852.10), dbSNP rs397516114, ClinGen allele CA011028.